The following is an entry in ClinVar:

ClinVar aggregate classification (germline): Pathogenic (1 of 4 stars; one submission).

Conditions:
Autosomal recessive nonsyndromic hearing loss 1A (DFNB1A). Also called: Connexin 26 deafness; Deafness nonsyndromic, Connexin 26 linked; GJB6-Related DFNB 1 Nonsyndromic Hearing Loss and Deafness; Deafness, autosomal recessive 1A; Nonsyndromic Hearing Loss and Deafness, DFNB1; GJB2-Related Autosomal Recessive Nonsyndromic Hearing Loss. Identifiers: Orphanet 90636, MedGen C2673759, MONDO:0009076, OMIM 220290.

Submission:

Department of Otorhinolaryngology, Head and Neck Surgery, Xinhua Hospital, Shanghai Jiao Tong University School of Medicine
Classification: Pathogenic for Autosomal recessive nonsyndromic hearing loss 1A. Last evaluated: 2026-06-07. Review status: criteria provided, single submitter. Criteria: ACMG Guidelines, 2015. Collection method: clinical testing. Allele origin: germline. Affected: yes.
Comment: PVS1_Strong + PM2

NM_004004.6(GJB2):c.444del (p.Ala149fs)

Gene: GJB2 (gap junction protein beta 2; minus strand). Cytogenetic location: 13q12.11.
Variant type: Deletion.
Coding change: c.444del on transcript NM_004004.6 (MANE Select); coding-DNA position 444, one base deleted (C; older notation c.444delC).
Protein change: p.Ala149fs; shifts the reading frame from alanine 149.
Molecular consequence: frameshift variant.
Genome position (GRCh38, 1-based): chr13:20,189,138, G deleted on the plus strand (C on the coding strand, the reverse complement: GJB2 is on the minus strand); the first of 2 consecutive G bases (chr13:20,189,138-20,189,139); deleting either gives the same sequence. VCF-style (leftmost placement, unchanged base first): chr13-20189137-CG-C. GRCh37 (hg19) VCF-style: chr13-20763276-CG-C.
Other names: c.443delC (NM_004004.6); short protein forms A149fs.
Identifiers: ClinVar variation 4856981 (VCV004856981.1).